The following is an entry in ClinVar:

ClinVar aggregate classification (germline): Uncertain significance. Review status: criteria provided, multiple submitters, no conflicts (2 of 4 stars). 4 submissions from 4 submitters: Uncertain significance (4). Last evaluated 2026-03-16.

Conditions:
Cardiomyopathy (CMYO). Also called: Cardiomyopathies. Identifiers: Orphanet 167848, MedGen C0878544, MONDO:0004994, HP:0001638. Inheritance: Various modes of inheritance.
Cardiovascular phenotype. Identifiers: MedGen CN230736.
Catecholaminergic polymorphic ventricular tachycardia 1. Also called: RYR2-Related Catecholaminergic Polymorphic Ventricular Tachycardia; VENTRICULAR TACHYCARDIA, CATECHOLAMINERGIC POLYMORPHIC, 1, WITH OR WITHOUT ATRIAL DYSFUNCTION AND/OR DILATED CARDIOMYOPATHY; VENTRICULAR TACHYCARDIA, STRESS-INDUCED POLYMORPHIC 1. Identifiers: Orphanet 3286, MedGen C1631597, MONDO:0011484, OMIM 604772.

Allele frequency attached by ClinVar (database versions not stated): gnomAD exomes below 0.00001.
gnomAD v4.1: 5 of 1,613,860 alleles (0.00031%); highest among the groups gnomAD compares: Non-Finnish European, 0.00042%; no homozygotes.

Submissions (4):

MVZ Medizinische Genetik Mainz
Classification: Uncertain significance for Catecholaminergic polymorphic ventricular tachycardia 1. Last evaluated: 2026-03-16. Review status: criteria provided, single submitter. Criteria: UK Practice Guidelines For Variant Classification V4 01 2020. Collection method: clinical testing. Allele origin: germline. Inheritance: Autosomal dominant inheritance. Affected: yes. Observed: 1 variant allele.
Comment: ACMG Criteria: PP3_MOD,PM2_SUP

Labcorp Genetics (formerly Invitae), Labcorp
Classification: Uncertain significance for Catecholaminergic polymorphic ventricular tachycardia 1. Last evaluated: 2024-12-17. Review status: criteria provided, single submitter. Criteria: Invitae Variant Classification Sherloc (09022015). Collection method: clinical testing. Allele origin: germline.
Comment: This sequence change replaces arginine, which is basic and polar, with tryptophan, which is neutral and slightly polar, at codon 2090 of the RYR2 protein (p.Arg2090Trp). This variant is present in population databases (no rsID available, gnomAD 0.0009%). This variant has not been reported in the literature in individuals affected with RYR2-related conditions. ClinVar contains an entry for this variant (Variation ID: 1016533). Invitae Evidence Modeling of protein sequence and biophysical properties (such as structural, functional, and spatial information, amino acid conservation, physicochemical variation, residue mobility, and thermodynamic stability) indicates that this missense variant is expected to disrupt RYR2 protein function with a positive predictive value of 95%. In summary, the available evidence is currently insufficient to determine the role of this variant in disease. Therefore, it has been classified as a Variant of Uncertain Significance.

Color Diagnostics, LLC DBA Color Health
Classification: Uncertain significance for Cardiomyopathy. Last evaluated: 2024-03-06. Review status: criteria provided, single submitter. Criteria: ACMG Guidelines, 2015. Collection method: clinical testing. Allele origin: germline.
Comment: This missense variant replaces arginine with tryptophan at codon 2090 of the RYR2 protein. Computational prediction suggests that this variant may have deleterious impact on protein structure and function (internally defined REVEL score threshold >= 0.7, PMID: 27666373). To our knowledge, functional studies have not been reported for this variant. This variant has not been reported in individuals affected with cardiovascular disorders in the literature. This variant has been identified in 1/249172 chromosomes in the general population by the Genome Aggregation Database (gnomAD). The available evidence is insufficient to determine the role of this variant in disease conclusively. Therefore, this variant is classified as a Variant of Uncertain Significance.

Ambry Genetics
Classification: Uncertain significance for Cardiovascular phenotype. Last evaluated: 2023-09-28. Review status: criteria provided, single submitter. Criteria: Ambry Variant Classification Scheme 2023. Collection method: clinical testing. Allele origin: germline.
Comment: The p.R2090W variant (also known as c.6268C>T), located in coding exon 41 of the RYR2 gene, results from a C to T substitution at nucleotide position 6268. The arginine at codon 2090 is replaced by tryptophan, an amino acid with dissimilar properties. This amino acid position is highly conserved in available vertebrate species. In addition, the in silico prediction for this alteration is inconclusive. Since supporting evidence is limited at this time, the clinical significance of this alteration remains unclear.

NM_001035.3(RYR2):c.6268C>T (p.Arg2090Trp)

Gene: RYR2 (ryanodine receptor 2; plus strand). Cytogenetic location: 1q43.
Variant type: single nucleotide variant.
Coding change: c.6268C>T on transcript NM_001035.3 (MANE Select); coding-DNA position 6268, C replaced by T.
Protein change: p.Arg2090Trp; replaces arginine 2090 with tryptophan.
Molecular consequence: missense variant.
Genome position (GRCh38, 1-based): chr1:237,627,908, C>T. VCF-style: chr1-237627908-C-T. GRCh37 (hg19) VCF-style: chr1-237791208-C-T.
Other names: c.6268C>T (NM_001035.2); short protein forms R2090W.
Identifiers: ClinVar variation 1016533 (VCV001016533.14), dbSNP rs1284802339, ClinGen allele CA345410896.